The following is an entry in ClinVar:

ClinVar aggregate classification (germline): Uncertain significance (1 of 4 stars; one submission).

Submission:

Ambry Genetics
Classification: Uncertain significance. Last evaluated: 2024-04-04. Review status: criteria provided, single submitter. Criteria: Ambry Variant Classification Scheme 2023. Collection method: clinical testing. Allele origin: germline.
Comment: The p.A2363P variant (also known as c.7087G>C), located in coding exon 25 of the POLQ gene, results from a G to C substitution at nucleotide position 7087. The alanine at codon 2363 is replaced by proline, an amino acid with highly similar properties. This amino acid position is conserved. In addition, this alteration is predicted to be deleterious by in silico analysis. Based on the available evidence, the clinical significance of this variant remains unclear.

NM_199420.4(POLQ):c.7087G>C (p.Ala2363Pro)

Gene: POLQ (DNA polymerase theta; minus strand). Cytogenetic location: 3q13.33.
Variant type: single nucleotide variant.
Coding change: c.7087G>C on transcript NM_199420.4 (MANE Select); coding-DNA position 7087, G replaced by C.
Protein change: p.Ala2363Pro; replaces alanine 2363 with proline.
Molecular consequence: missense variant.
Genome position (GRCh38, 1-based): chr3:121,460,115, C>G on the plus strand (G>C on the coding strand, the complement: POLQ is on the minus strand). VCF-style: chr3-121460115-C-G. GRCh37 (hg19) VCF-style: chr3-121178962-C-G.
Other names: short protein forms A2363P.
Identifiers: ClinVar variation 3308537 (VCV003308537.1).
Genomic context (GRCh38, chr3:121,460,115, plus strand): 5'-TTGCCTGCTGCCTCAGATCATCCCCAACAGACTCTGGCTCAATCATCTTCCACTCTGCTG[C>G]AATGCTCCTGAAAACATCAGCTCCAGTGTTTAACACTTGAATGAGACGACGATCATGGGA-3'
Protein context (NP_955452.3, residues 2353-2373): NTGADVFRSI[Ala2363Pro]AEWKMIEPES